The following is an entry in ClinVar:

ClinVar aggregate classification (germline): Uncertain significance (1 of 4 stars; one submission).

Submission:

Labcorp Genetics (formerly Invitae), Labcorp
Classification: Uncertain significance. Last evaluated: 2020-08-14. Review status: criteria provided, single submitter. Criteria: Invitae Variant Classification Sherloc (09022015). Collection method: clinical testing. Allele origin: germline.
Comment: This variant results in a copy number gain of the genomic region encompassing exon(s) 10-16 of the ACO2 gene. While the exact position of this variant cannot be determined from the data, sub-genic copy number gains are generally in tandem (PMID: 25640679). This variant is predicted to be in-frame, and likely preserves the integrity of the reading frame. This variant has not been reported in the literature in individuals with ACO2-related conditions. Experimental studies and prediction algorithms are not available or were not evaluated, and the functional significance of this variant is currently unknown. In summary, the available evidence is currently insufficient to determine the role of this variant in disease. Therefore, it has been classified as a Variant of Uncertain Significance.

Literature cited by the submitters: PubMed 25640679.

NC_000022.10:g.(?_41918834)_(41923424_?)dup

Genes: ACO2 (aconitase 2; plus strand), POLR3H (RNA polymerase III subunit H; minus strand). Cytogenetic location: 22q13.2.
Variant type: Duplication.
Identifiers: ClinVar variation 1022611 (VCV001022611.1).